The following is an entry in ClinVar:

NM_018993.4(RIN2):c.1472A>G (p.Lys491Arg)

Gene: RIN2 (Ras and Rab interactor 2; plus strand). Cytogenetic location: 20p11.23.
Variant type: single nucleotide variant.
Coding change: c.1472A>G on transcript NM_018993.4 (MANE Select); coding-DNA position 1472, A replaced by G.
Protein change: p.Lys491Arg; replaces lysine 491 with arginine.
Molecular consequence: missense variant.
Genome position (GRCh38, 1-based): chr20:19,975,497, A>G. VCF-style: chr20-19975497-A-G. GRCh37 (hg19) VCF-style: chr20-19956141-A-G.
Other names: c.1619A>G, p.Lys540Arg (NM_001242581.2); c.854A>G, p.Lys285Arg (NM_001378238.1); short protein forms K491R, K540R, K285R.
Identifiers: ClinVar variation 430462 (VCV000430462.7), dbSNP rs773174079, ClinGen allele CA9780094.

ClinVar aggregate classification (germline): Uncertain significance. Review status: criteria provided, multiple submitters, no conflicts (2 of 4 stars). 3 submissions from 3 submitters: Uncertain significance (3). Last evaluated 2025-11-06.

Conditions:
Inborn genetic diseases. Identifiers: MedGen C0950123, MeSH D030342.

Allele frequency attached by ClinVar (database versions not stated): gnomAD 0.00001; gnomAD exomes 0.00006 and 0.00007; TOPMed 0.00003; ExAC 0.00006.
gnomAD v4.1: 92 of 1,613,936 alleles (0.0057%); highest among the groups gnomAD compares: Middle Eastern, 0.066%; 2 homozygotes.

Submissions (3):

Ambry Genetics
Classification: Uncertain significance for Inborn genetic diseases. Last evaluated: 2025-11-06. Review status: criteria provided, single submitter. Criteria: Ambry Variant Classification Scheme 2023. Collection method: clinical testing. Allele origin: germline.

GeneDx
Classification: Uncertain significance. Last evaluated: 2024-05-28. Review status: criteria provided, single submitter. Criteria: GeneDx Variant Classification Process June 2021. Collection method: clinical testing. Allele origin: germline. Affected: yes.
Comment: Has not been previously published as pathogenic or benign to our knowledge; Not observed at significant frequency in large population cohorts (gnomAD); In silico analysis indicates that this missense variant does not alter protein structure/function

Labcorp Genetics (formerly Invitae), Labcorp
Classification: Uncertain significance. Last evaluated: 2022-08-16. Review status: criteria provided, single submitter. Criteria: Invitae Variant Classification Sherloc (09022015). Collection method: clinical testing. Allele origin: germline.
Comment: This sequence change replaces lysine, which is basic and polar, with arginine, which is basic and polar, at codon 491 of the RIN2 protein (p.Lys491Arg). This variant is present in population databases (rs773174079, gnomAD 0.01%). This variant has not been reported in the literature in individuals affected with RIN2-related conditions. ClinVar contains an entry for this variant (Variation ID: 430462). Algorithms developed to predict the effect of missense changes on protein structure and function output the following: SIFT: "Tolerated"; PolyPhen-2: "Not Available"; Align-GVGD: "Class C0". The arginine amino acid residue is found in multiple mammalian species, which suggests that this missense change does not adversely affect protein function. Algorithms developed to predict the effect of sequence changes on RNA splicing suggest that this variant may create or strengthen a splice site. In summary, the available evidence is currently insufficient to determine the role of this variant in disease. Therefore, it has been classified as a Variant of Uncertain Significance.